The following is an entry in ClinVar:

NM_000277.3(PAH):c.1029T>A (p.Tyr343Ter)

Gene: PAH (phenylalanine hydroxylase; minus strand). Cytogenetic location: 12q23.2.
Variant type: single nucleotide variant.
Coding change: c.1029T>A on transcript NM_000277.3 (MANE Select); coding-DNA position 1029, T replaced by A.
Protein change: p.Tyr343Ter; replaces tyrosine 343 with a stop codon.
Molecular consequence: nonsense.
Genome position (GRCh38, 1-based): chr12:102,844,372, A>T on the plus strand (T>A on the coding strand, the complement: PAH is on the minus strand). VCF-style: chr12-102844372-A-T. GRCh37 (hg19) VCF-style: chr12-103238150-A-T.
Other names: c.1029T>A, p.Tyr343Ter (NM_001354304.2); short protein forms Y343*.
Identifiers: ClinVar variation 872839 (VCV000872839.1), dbSNP rs1874735553, ClinGen allele CA16020920.
Genomic context (GRCh38, chr12:102,844,372, plus strand): 5'-CCTTGGTTCCTGTGAAGGTCATACCTGTAATTCACCAAAGGATGACAGGAGCCCAGCACC[A>T]TATGCCTTTATGGAGTCTCCTTGTTTGCAGAGCCCAAACTCCACAGTAAACCAGTAAATC-3'

ClinVar aggregate classification (germline): Pathogenic (3 of 4 stars; one submission).

Conditions:
Phenylketonuria (PKU). Also called: FOLLING DISEASE; Phenylketonuria (PKU); OLIGOPHRENIA PHENYLPYRUVICA; Phenylketonurias. Identifiers: Orphanet 716, MedGen C0031485, MONDO:0009861, OMIM 261600. Disease mechanism: loss of function.

Submission:

ClinGen PAH Variant Curation Expert Panel
Classification: Pathogenic for Phenylketonuria. Last evaluated: 2019-10-17. Review status: reviewed by expert panel. Criteria: ClinGen PAH ACMG Specifications v1. Collection method: curation. Allele origin: germline. Inheritance: Autosomal recessive inheritance.
Comment: DHPR activity, biopterin and/or pteridine analysis was performed to rule out other causes of hyperphenylalaninemia (PMID: 26503515). This variant is absent from ExAC and gnomAD. This nonsense variant in exon 10 out of 13 is predicted to undergo nonsense mediated mRNA decay. In summary, this variant meets criteria to be classified as pathogenic for PAH. PAH-specific ACMG/AMP criteria applied: PM2, PP4_Moderate, PVS1.

Literature cited by the submitters: PubMed 26503515.